The following is an entry in ClinVar:

NM_006279.5(ST3GAL3):c.1038+579A>G

Gene: ST3GAL3 (ST3 beta-galactoside alpha-2,3-sialyltransferase 3; plus strand). Cytogenetic location: 1p34.1.
Variant type: single nucleotide variant.
Coding change: c.1038+579A>G on transcript NM_006279.5 (MANE Select); 579 bases into the intron after coding-DNA position 1038, A replaced by G.
Molecular consequence: intron variant. On other transcripts: missense variant (4), non-coding transcript variant (1).
Genome position (GRCh38, 1-based): chr1:43,921,507, A>G. VCF-style: chr1-43921507-A-G. GRCh37 (hg19) VCF-style: chr1-44387179-A-G.
Other names: c.1148A>G, p.His383Arg (NM_001350619.2); c.1103A>G, p.His368Arg (NM_001350620.2); c.824A>G, p.His275Arg (NM_001350621.2); c.1055A>G, p.His352Arg (NM_001410781.1); c.1245+579A>G (NM_174963.5); c.1083+579A>G (NM_174964.4); c.443-8625A>G (NM_174965.4); c.*23-8625A>G (NM_001270465.3); and 15 more; short protein forms H275R, H352R, H368R, H383R.
Identifiers: ClinVar variation 2570724 (VCV002570724.29), dbSNP rs79359958, ClinGen allele CA21671621.
Genomic context (GRCh38, chr1:43,921,507, plus strand): 5'-GACCCCATGTGGAAAATCTGAACCCTTCTGAACTCCGCTTGCCACACTTCTGCTTTGACC[A>G]CCAGCCTTCCACTGATCCCAGCCTGAAACCTGGAAATCTTGGGCCAGTTCTTCAACAGCT-3'

ClinVar aggregate classification (germline): Benign/Likely benign. Review status: criteria provided, multiple submitters, no conflicts (2 of 4 stars). 3 submissions from 3 submitters: Benign (1); Likely benign (1). 1 of the submissions does not count toward it. Last evaluated 2026-05-01.

Conditions:
ST3GAL3-related disorder. Also called: ST3GAL3-related condition; ST3GAL3-Related Disorders.

Allele frequency attached by ClinVar (database versions not stated): gnomAD exomes 0.00063; gnomAD 0.00418; TOPMed 0.00442; 1000 Genomes Project 0.00639; 1000 Genomes Project 30x 0.00656.
gnomAD v4.1: 791 of 400,490 alleles (0.2%); highest among the groups gnomAD compares: African/African-American, 1.4%; 5 homozygotes.

Submissions (3):

CeGaT Center for Human Genetics Tuebingen
Classification: Benign. Last evaluated: 2026-05-01. Review status: criteria provided, single submitter. Criteria: CeGaT Center For Human Genetics Tuebingen Variant Classification Criteria Version 2. Collection method: clinical testing. Allele origin: germline. Affected: yes. Observed: 5 variant alleles.
Comment: ST3GAL3: BP4, BS1, BS2

Blueprint Genetics
Classification: Likely benign. Last evaluated: 2024-10-25. Review status: criteria provided, single submitter. Criteria: ACMG Guidelines, 2015. Collection method: clinical testing. Allele origin: germline.

PreventionGenetics, part of Exact Sciences
Classification: Benign for ST3GAL3-related condition. Last evaluated: 2019-08-12. Review status: no assertion criteria provided. Collection method: clinical testing. Allele origin: germline. Not counted in ClinVar's aggregate classification.
Comment: This variant is classified as benign based on ACMG/AMP sequence variant interpretation guidelines (Richards et al. 2015 PMID: 25741868, with internal and published modifications).